The following is an entry in ClinVar:

NM_001278298.2(COL6A5):c.1060G>T (p.Val354Leu)

Gene: COL6A5 (collagen type VI alpha 5 chain; plus strand). Cytogenetic location: 3q22.1.
Variant type: single nucleotide variant.
Coding change: c.1060G>T on transcript NM_001278298.2 (MANE Select); coding-DNA position 1060, G replaced by T.
Protein change: p.Val354Leu; replaces valine 354 with leucine.
Molecular consequence: missense variant. On other transcripts: non-coding transcript variant (1).
Genome position (GRCh38, 1-based): chr3:130,379,810, G>T. VCF-style: chr3-130379810-G-T. GRCh37 (hg19) VCF-style: chr3-130098653-G-T.
Other names: c.1060G>T, p.Val354Leu (NM_001412157.1, NM_153264.7); short protein forms V354L.
Identifiers: ClinVar variation 3239010 (VCV003239010.19), dbSNP rs151095015.
Genomic context (GRCh38, chr3:130,379,810, plus strand): 5'-AGAGCACAAGGAGTGCCTCAGATTGCAGTTCTGGTCACCCACAGACCATCAGATGATGAG[G>T]TGCATGATGCTGCGCTGAACCTTCGACTGGAGGATGTAAACGTGTTTGCCTTGAGCATCC-3'
Protein context (NP_001265227.1, residues 344-364): LVTHRPSDDE[Val354Leu]HDAALNLRLE

ClinVar aggregate classification (germline): Benign (1 of 4 stars; one submission).

Allele frequency attached by ClinVar (database versions not stated): 1000 Genomes Project 30x 0.00047; gnomAD 0.00052; ExAC 0.00056; 1000 Genomes Project 0.00060.
gnomAD v4.1: 1,174 of 1,551,394 alleles (0.076%); highest among the groups gnomAD compares: Middle Eastern, 0.13%; 2 homozygotes.

Submission:

CeGaT Center for Human Genetics Tuebingen
Classification: Benign. Last evaluated: 2024-06-01. Review status: criteria provided, single submitter. Criteria: CeGaT Center For Human Genetics Tuebingen Variant Classification Criteria Version 2. Collection method: clinical testing. Allele origin: germline. Affected: yes. Observed: 1 variant allele.
Comment: COL6A5: BP4, BS1, BS2